The following is an entry in ClinVar:

ClinVar aggregate classification (germline): Conflicting classifications of pathogenicity. Review status: criteria provided, conflicting classifications (1 of 4 stars). 3 submissions from 3 submitters: Likely pathogenic (1); Uncertain significance (2). Last evaluated 2024-02-07.

Conditions:
Catecholaminergic polymorphic ventricular tachycardia 1. Also called: RYR2-Related Catecholaminergic Polymorphic Ventricular Tachycardia; VENTRICULAR TACHYCARDIA, CATECHOLAMINERGIC POLYMORPHIC, 1, WITH OR WITHOUT ATRIAL DYSFUNCTION AND/OR DILATED CARDIOMYOPATHY; VENTRICULAR TACHYCARDIA, STRESS-INDUCED POLYMORPHIC 1. Identifiers: Orphanet 3286, MedGen C1631597, MONDO:0011484, OMIM 604772.
Ventricular arrhythmias due to cardiac ryanodine receptor calcium release deficiency syndrome. Also called: Autosomal dominant cardiac arrhythmia (Kuhn). Identifiers: MedGen C5542154, MONDO:0020745, OMIM 115000.

Submissions (3):

Fulgent Genetics
Classification: Uncertain significance for Ventricular arrhythmias due to cardiac ryanodine receptor calcium release deficiency syndrome; Catecholaminergic polymorphic ventricular tachycardia 1. Last evaluated: 2024-02-07. Review status: criteria provided, single submitter. Criteria: ACMG Guidelines, 2015. Collection method: clinical testing. Allele origin: germline.

Labcorp Genetics (formerly Invitae), Labcorp
Classification: Likely pathogenic for Catecholaminergic polymorphic ventricular tachycardia 1. Last evaluated: 2022-07-05. Review status: criteria provided, single submitter. Criteria: Invitae Variant Classification Sherloc (09022015). Collection method: clinical testing. Allele origin: germline.
Comment: This variant is not present in population databases (gnomAD no frequency). This sequence change replaces isoleucine, which is neutral and non-polar, with asparagine, which is neutral and polar, at codon 4635 of the RYR2 protein (p.Ile4635Asn). This missense change has been observed in individuals with clinical features of polymorphic ventricular tachycardia (PMID: 31112425; Invitae). ClinVar contains an entry for this variant (Variation ID: 404236). Advanced modeling of protein sequence and biophysical properties (such as structural, functional, and spatial information, amino acid conservation, physicochemical variation, residue mobility, and thermodynamic stability) performed at Invitae indicates that this missense variant is expected to disrupt RYR2 protein function. In summary, the currently available evidence indicates that the variant is pathogenic, but additional data are needed to prove that conclusively. Therefore, this variant has been classified as Likely Pathogenic.

Stanford Center for Inherited Cardiovascular Disease, Stanford University
Classification: Uncertain significance. Last evaluated: 2017-01-03. Review status: criteria provided, single submitter. Criteria: ACMG Guidelines, 2015. Collection method: provider interpretation. Allele origin: germline.

Literature cited by the submitters: PubMed 31112425 (cited by Labcorp Genetics (formerly Invitae), Labcorp).

NM_001035.3(RYR2):c.13904T>A (p.Ile4635Asn)

Gene: RYR2 (ryanodine receptor 2; plus strand). Cytogenetic location: 1q43.
Variant type: single nucleotide variant.
Coding change: c.13904T>A on transcript NM_001035.3 (MANE Select); coding-DNA position 13904, T replaced by A.
Protein change: p.Ile4635Asn; replaces isoleucine 4635 with asparagine.
Molecular consequence: missense variant.
Genome position (GRCh38, 1-based): chr1:237,793,988, T>A. VCF-style: chr1-237793988-T-A. GRCh37 (hg19) VCF-style: chr1-237957288-T-A.
Other names: c.13904T>A, p.Ile4635Asn (LRG_402t1); short protein forms I4635N.
Identifiers: ClinVar variation 404236 (VCV000404236.14), dbSNP rs1060500169, ClinGen allele CA16610067.
Genomic context (GRCh38, chr1:237,793,988, plus strand): 5'-TTTATATTACAGAACAGCCTTCAGAAGATGATATTAAAGGCCAGTGGGATAGACTCGTAA[T>A]CAACACACAGTGAGTAAATAATTATATGAGACTTTCTGCACTCAAAAATTTCAGACATGA-3'
Protein context (NP_001026.2, residues 4625-4645): DIKGQWDRLV[Ile4635Asn]NTQSFPNNYW